The following is an entry in ClinVar:

NC_000023.10:g.(?_106096731)_(106097546_?)del

Gene: TBC1D8B (TBC1 domain family member 8B; plus strand). Cytogenetic location: Xq22.3.
Variant type: Deletion.
Identifiers: ClinVar variation 2426348 (VCV002426348.4).

ClinVar aggregate classification (germline): Uncertain significance (1 of 4 stars; one submission).

Submission:

Labcorp Genetics (formerly Invitae), Labcorp
Classification: Uncertain significance. Last evaluated: 2023-08-02. Review status: criteria provided, single submitter. Criteria: Invitae Variant Classification Sherloc (09022015). Collection method: clinical testing. Allele origin: germline.
Comment: This variant is a gross deletion of the genomic region encompassing exon(s) 13-14 of the TBC1D8B gene. This deletion is out-of-frame, and is expected to create a premature translational stop signal and result in an absent or disrupted protein product. However, the current clinical and genetic evidence is not sufficient to establish whether loss-of-function variants in TBC1D8B cause disease. In summary, the available evidence is currently insufficient to determine the role of this variant in disease. Therefore, it has been classified as a Variant of Uncertain Significance. This variant has not been reported in the literature in individuals affected with TBC1D8B-related conditions.